The following is an entry in ClinVar:

ClinVar aggregate classification (germline): Uncertain significance (1 of 4 stars; one submission).

Submission:

Labcorp Genetics (formerly Invitae), Labcorp
Classification: Uncertain significance. Last evaluated: 2022-06-30. Review status: criteria provided, single submitter. Criteria: Invitae Variant Classification Sherloc (09022015). Collection method: clinical testing. Allele origin: germline.
Comment: This sequence change replaces methionine, which is neutral and non-polar, with isoleucine, which is neutral and non-polar, at codon 173 of the TYMP protein (p.Met173Ile). This variant is not present in population databases (gnomAD no frequency). This variant has not been reported in the literature in individuals affected with TYMP-related conditions. Algorithms developed to predict the effect of missense changes on protein structure and function output the following: SIFT: "Tolerated"; PolyPhen-2: "Benign"; Align-GVGD: "Class C0". The isoleucine amino acid residue is found in multiple mammalian species, which suggests that this missense change does not adversely affect protein function. In summary, the available evidence is currently insufficient to determine the role of this variant in disease. Therefore, it has been classified as a Variant of Uncertain Significance.

NM_001953.5(TYMP):c.519G>T (p.Met173Ile)

Gene: TYMP (thymidine phosphorylase; minus strand). Cytogenetic location: 22q13.33.
Variant type: single nucleotide variant.
Coding change: c.519G>T on transcript NM_001953.5 (MANE Select); coding-DNA position 519, G replaced by T.
Protein change: p.Met173Ile; replaces methionine 173 with isoleucine.
Molecular consequence: missense variant.
Genome position (GRCh38, 1-based): chr22:50,527,715, C>A on the plus strand (G>T on the coding strand, the complement: TYMP is on the minus strand). VCF-style: chr22-50527715-C-A. GRCh37 (hg19) VCF-style: chr22-50966144-C-A.
Other names: c.519G>T, p.Met173Ile (NM_001113755.3, NM_001113756.3, NM_001257988.1 and 1 more transcripts); short protein forms M173I.
Identifiers: ClinVar variation 2413983 (VCV002413983.2), dbSNP rs146835206, ClinGen allele CA412201525.